The following is an entry in ClinVar:

ClinVar aggregate classification (germline): Uncertain significance. Review status: criteria provided, multiple submitters, no conflicts (2 of 4 stars). 2 submissions from 2 submitters: Uncertain significance (2). Last evaluated 2024-09-23.

Conditions:
Dilated cardiomyopathy 1G (CMD1G). Identifiers: Orphanet 154, MedGen C1858763, MONDO:0011400, OMIM 604145.
Autosomal recessive limb-girdle muscular dystrophy type 2J (LGMDR10). Also called: Limb-girdle muscular dystrophy, type 2J; MUSCULAR DYSTROPHY, LIMB-GIRDLE, AUTOSOMAL RECESSIVE 10. Identifiers: Orphanet 140922, MedGen C1837342, MONDO:0012127, OMIM 608807.

Allele frequency attached by ClinVar (database versions not stated): gnomAD exomes below 0.00001.
gnomAD v4.1: 2 of 1,608,536 alleles (0.00012%); highest among the groups gnomAD compares: Non-Finnish European, 0.00017%; no homozygotes.

Submissions (2):

GeneDx
Classification: Uncertain significance. Last evaluated: 2024-09-23. Review status: criteria provided, single submitter. Criteria: GeneDx Variant Classification Process June 2021. Collection method: clinical testing. Allele origin: germline.
Comment: Not observed at significant frequency in large population cohorts (gnomAD); Missense variant in a gene in which most reported pathogenic variants are truncating/loss of function; Has not been previously published as pathogenic or benign to our knowledge; This variant is associated with the following publications: (PMID: 27625338, 27869827)

Labcorp Genetics (formerly Invitae), Labcorp
Classification: Uncertain significance for Dilated cardiomyopathy 1G; Autosomal recessive limb-girdle muscular dystrophy type 2J. Last evaluated: 2017-09-05. Review status: criteria provided, single submitter. Criteria: Invitae Variant Classification Sherloc (09022015). Collection method: clinical testing. Allele origin: germline.

NM_001267550.2(TTN):c.41582A>C (p.Glu13861Ala)

Gene: TTN (titin; minus strand). Cytogenetic location: 2q31.2.
Variant type: single nucleotide variant.
Coding change: c.41582A>C on transcript NM_001267550.2 (MANE Select); coding-DNA position 41582, A replaced by C.
Protein change: p.Glu13861Ala; replaces glutamic acid 13861 with alanine.
Molecular consequence: missense variant.
Genome position (GRCh38, 1-based): chr2:178,635,989, T>G on the plus strand (A>C on the coding strand, the complement: TTN is on the minus strand). VCF-style: chr2-178635989-T-G. GRCh37 (hg19) VCF-style: chr2-179500716-T-G.
Other names: c.41582A>C (NM_001267550.1); c.36659A>C, p.Glu12220Ala (NM_001256850.1); c.14387A>C, p.Glu4796Ala (NM_003319.4); c.33878A>C, p.Glu11293Ala (NM_133378.4); c.14762A>C, p.Glu4921Ala (NM_133432.3); c.14963A>C, p.Glu4988Ala (NM_133437.4); short protein forms E13861A, E4796A, E12220A, E4921A, E11293A, E4988A.
Identifiers: ClinVar variation 535081 (VCV000535081.5), dbSNP rs1553746267, ClinGen allele CA349658051.